The following is an entry in ClinVar:

NM_006267.5(RANBP2):c.2054T>G (p.Leu685Arg)

Gene: RANBP2 (RAN binding protein 2; plus strand). Cytogenetic location: 2q13.
Variant type: single nucleotide variant.
Coding change: c.2054T>G on transcript NM_006267.5 (MANE Select); coding-DNA position 2054, T replaced by G.
Protein change: p.Leu685Arg; replaces leucine 685 with arginine.
Molecular consequence: missense variant.
Genome position (GRCh38, 1-based): chr2:108,753,562, T>G. VCF-style: chr2-108753562-T-G. GRCh37 (hg19) VCF-style: chr2-109370018-T-G.
Other names: short protein forms L685R.
Identifiers: ClinVar variation 1424396 (VCV001424396.9), dbSNP rs1676073772, ClinGen allele CA348053885.

ClinVar aggregate classification (germline): Uncertain significance (1 of 4 stars; one submission).

Conditions:
Familial acute necrotizing encephalopathy (IIAE3). Also called: ENCEPHALOPATHY, ACUTE, INFECTION-INDUCED, SUSCEPTIBILITY TO, 3; Susceptibility to Acute Necrotizing Encephalopathy 1. Identifiers: Orphanet 88619, MedGen C2675556, MONDO:0011953, OMIM 608033.

Allele frequency attached by ClinVar (database versions not stated): TOPMed below 0.00001.
gnomAD v4.1: 1 of 1,611,080 alleles (0.000062%); highest among the groups gnomAD compares: Non-Finnish European, 0.000085%; no homozygotes.

Submission:

Labcorp Genetics (formerly Invitae), Labcorp
Classification: Uncertain significance for Familial acute necrotizing encephalopathy. Last evaluated: 2024-03-07. Review status: criteria provided, single submitter. Criteria: Invitae Variant Classification Sherloc (09022015). Collection method: clinical testing. Allele origin: germline.
Comment: This sequence change replaces leucine, which is neutral and non-polar, with arginine, which is basic and polar, at codon 685 of the RANBP2 protein (p.Leu685Arg). This variant is not present in population databases (gnomAD no frequency). This variant has not been reported in the literature in individuals affected with RANBP2-related conditions. ClinVar contains an entry for this variant (Variation ID: 1424396). An algorithm developed to predict the effect of missense changes on protein structure and function (PolyPhen-2) suggests that this variant is likely to be tolerated. In summary, the available evidence is currently insufficient to determine the role of this variant in disease. Therefore, it has been classified as a Variant of Uncertain Significance.